The following is an entry in ClinVar:

NM_001267550.2(TTN):c.40931T>C (p.Val13644Ala)

Gene: TTN (titin; minus strand). Cytogenetic location: 2q31.2.
Variant type: single nucleotide variant.
Coding change: c.40931T>C on transcript NM_001267550.2 (MANE Select); coding-DNA position 40931, T replaced by C.
Protein change: p.Val13644Ala; replaces valine 13644 with alanine.
Molecular consequence: missense variant.
Genome position (GRCh38, 1-based): chr2:178,636,796, A>G on the plus strand (T>C on the coding strand, the complement: TTN is on the minus strand). VCF-style: chr2-178636796-A-G. GRCh37 (hg19) VCF-style: chr2-179501523-A-G.
Other names: c.36008T>C, p.Val12003Ala (NM_001256850.1); c.13736T>C, p.Val4579Ala (NM_003319.4); c.33227T>C, p.Val11076Ala (NM_133378.4); c.14111T>C, p.Val4704Ala (NM_133432.3); c.14312T>C, p.Val4771Ala (NM_133437.4); c.40931T>C (NM_001267550.1); short protein forms V11076A, V12003A, V13644A, V4579A, V4704A, V4771A.
Identifiers: ClinVar variation 1329148 (VCV001329148.3), dbSNP rs770248490, ClinGen allele CA1996338.

ClinVar aggregate classification (germline): Uncertain significance. Review status: criteria provided, multiple submitters, no conflicts (2 of 4 stars). 2 submissions from 2 submitters: Uncertain significance (2). Last evaluated 2024-10-15.

Conditions:
Cardiomyopathy (CMYO). Also called: Cardiomyopathies. Identifiers: Orphanet 167848, MedGen C0878544, MONDO:0004994, HP:0001638. Inheritance: Various modes of inheritance.

Allele frequency attached by ClinVar (database versions not stated): ExAC 0.00001; gnomAD 0.00001; gnomAD exomes 0.00001.
gnomAD v4.1: 5 of 1,581,104 alleles (0.00032%); highest among the groups gnomAD compares: Non-Finnish European, 0.00043%; no homozygotes.

Submissions (2):

GeneDx
Classification: Uncertain significance. Last evaluated: 2024-10-15. Review status: criteria provided, single submitter. Criteria: GeneDx Variant Classification Process June 2021. Collection method: clinical testing. Allele origin: germline. Affected: yes.
Comment: Not observed at significant frequency in large population cohorts (gnomAD); Missense variant in a gene in which most reported pathogenic variants are truncating/loss of function; Has not been previously published as pathogenic or benign to our knowledge

CHEO Genetics Diagnostic Laboratory, Children's Hospital of Eastern Ontario
Classification: Uncertain significance for Cardiomyopathy. Last evaluated: 2020-04-14. Review status: criteria provided, single submitter. Criteria: ACMG Guidelines, 2015. Collection method: clinical testing. Allele origin: germline.